The following is an entry in ClinVar:

ClinVar aggregate classification (germline): Likely benign. Review status: criteria provided, single submitter (1 of 4 stars). 2 submissions from 2 submitters: Likely benign (1). 1 of the submissions does not count toward it. Last evaluated 2025-11-18.

Conditions:
TALDO1-related disorder. Also called: TALDO1-related condition.

Allele frequency attached by ClinVar (database versions not stated): gnomAD exomes 0.00001; ExAC 0.00003; gnomAD 0.00003; TOPMed 0.00003; ESP Exome Variant Server 0.00008.
gnomAD v4.1: 21 of 1,608,030 alleles (0.0013%); highest among the groups gnomAD compares: African/African-American, 0.004%; no homozygotes.

Submissions (2):

Labcorp Genetics (formerly Invitae), Labcorp
Classification: Likely benign. Last evaluated: 2025-11-18. Review status: criteria provided, single submitter. Criteria: Invitae Variant Classification Sherloc (09022015). Collection method: clinical testing. Allele origin: germline.

PreventionGenetics, part of Exact Sciences
Classification: Likely benign for TALDO1-related condition. Last evaluated: 2024-08-22. Review status: no assertion criteria provided. Collection method: clinical testing. Allele origin: germline. Not counted in ClinVar's aggregate classification.
Comment: This variant is classified as likely benign based on ACMG/AMP sequence variant interpretation guidelines (Richards et al. 2015 PMID: 25741868, with internal and published modifications).

NM_006755.2(TALDO1):c.831G>A (p.Lys277=)

Gene: TALDO1 (transaldolase 1; plus strand). Cytogenetic location: 11p15.5.
Variant type: single nucleotide variant.
Coding change: c.831G>A on transcript NM_006755.2 (MANE Select); coding-DNA position 831, G replaced by A.
Protein change: p.Lys277=; no amino-acid change (lysine 277 retained).
Molecular consequence: synonymous variant.
Genome position (GRCh38, 1-based): chr11:763,940, G>A. VCF-style: chr11-763940-G-A. GRCh37 (hg19) VCF-style: chr11-763940-G-A.
Identifiers: ClinVar variation 743130 (VCV000743130.9), dbSNP rs374831660, ClinGen allele CA5788304.
Genomic context (GRCh38, chr11:763,940, plus strand): 5'-CAAGCTCCTGGGAGAGCTGCTGCAGGACAACGCCAAGCTGGTGCCTGTGCTCTCAGCCAA[G>A]GCGGGTGAGGCCCCACTGCCCAGCTGTGGCTCCTGCTCGGGCAAGGCCAGCACTGCCGTG-3'
Protein context (NP_006746.1, residues 267-287): NAKLVPVLSA[Lys277=]AAQASDLEKI